The following is an entry in ClinVar:

ClinVar aggregate classification (germline): Benign. Review status: criteria provided, multiple submitters, no conflicts (2 of 4 stars). 8 submissions from 8 submitters: Benign (5). 3 of the submissions do not count toward it. Last evaluated 2026-02-04.

Conditions:
Muscular dystrophy-dystroglycanopathy (congenital with brain and eye anomalies), type A2. Also called: MUSCULAR DYSTROPHY-DYSTROGLYCANOPATHY (CONGENITAL WITH BRAIN AND EYE ANOMALIES), TYPE A, 2; WALKER-WARBURG SYNDROME OR MUSCLE-EYE-BRAIN DISEASE, POMT2-RELATED. Identifiers: Orphanet 588, Orphanet 899, MedGen C3150411, MONDO:0013154, OMIM 613150.
Muscular dystrophy-dystroglycanopathy (congenital with impaired intellectual development), type B, 2. Also called: Muscular dystrophy-dystroglycanopathy (congenital with intellectual disability), type B2; MUSCULAR DYSTROPHY, CONGENITAL, POMT2-RELATED. Identifiers: MedGen C3150416, MONDO:0013160, OMIM 613156.
Autosomal recessive limb-girdle muscular dystrophy type 2N. Also called: Muscular dystrophy-dystroglycanopathy (limb-girdle), type C, 2; MUSCULAR DYSTROPHY-DYSTROGLYCANOPATHY, LIMB-GIRDLE, POMT2-RELATED. Identifiers: Orphanet 206559, MedGen C3150418, MONDO:0013162, OMIM 613158.

Allele frequency attached by ClinVar (database versions not stated): gnomAD exomes 0.06478; ExAC 0.07969; TOPMed 0.10596; 1000 Genomes Project 30x 0.10931; 1000 Genomes Project 0.11042; gnomAD 0.11307 and 0.11460.
gnomAD v4.1: 66,105 of 578,046 alleles (11%); highest among the groups gnomAD compares: African/African-American, 33%; 3,351 homozygotes.

Submissions (15):

Labcorp Genetics (formerly Invitae), Labcorp
Classification: Benign for Muscular dystrophy-dystroglycanopathy (congenital with impaired intellectual development), type B, 2; Muscular dystrophy-dystroglycanopathy (congenital with brain and eye anomalies), type A2; Autosomal recessive limb-girdle muscular dystrophy type 2N. Last evaluated: 2026-02-04. Review status: criteria provided, single submitter. Criteria: Invitae Variant Classification Sherloc (09022015). Collection method: clinical testing. Allele origin: germline.

GeneDx
Classification: Benign. Last evaluated: 2014-01-28. Review status: criteria provided, single submitter. Criteria: GeneDx Variant Classification (06012015). Collection method: clinical testing. Allele origin: germline. Affected: yes.
Comment: This variant is considered likely benign or benign based on one or more of the following criteria: it is a conservative change, it occurs at a poorly conserved position in the protein, it is predicted to be benign by multiple in silico algorithms, and/or has population frequency not consistent with disease.

Eurofins Ntd Llc (ga)
Classification: Benign. Last evaluated: 2012-07-18. Review status: criteria provided, single submitter. Criteria: EGL Classification Definitions 2015. Collection method: clinical testing. Allele origin: germline. Observed: 10 variant alleles, 9 heterozygotes, 1 homozygote.

Breakthrough Genomics
Classification: Benign. Review status: criteria provided, single submitter. Criteria: ACMG Guidelines, 2015. Collection method: not provided. Allele origin: germline. Inheritance: Autosomal recessive inheritance. Affected: yes.

PreventionGenetics, part of Exact Sciences
Classification: Benign. Review status: criteria provided, single submitter. Criteria: ACMG Guidelines, 2015. Collection method: clinical testing. Allele origin: germline.

Clinical Genetics DNA and cytogenetics Diagnostics Lab, Erasmus MC, Erasmus Medical Center
Classification: Benign. Review status: no assertion criteria provided. Collection method: clinical testing. Allele origin: germline. Affected: yes. Study: VKGL Data-share Consensus. Not counted in ClinVar's aggregate classification.

Clinical Genetics, Academic Medical Center
Classification: Benign. Review status: no assertion criteria provided. Collection method: clinical testing. Allele origin: germline. Affected: yes. Study: VKGL Data-share Consensus. Not counted in ClinVar's aggregate classification.

Dr. Peter K. Rogan Lab, Western University
No classification provided (evidence only). Condition: Thymoma. Review status: no classification provided. Collection method: in vitro. Allele origin: not applicable. Functional consequence: retained intron. Not counted in ClinVar's aggregate classification.

Dr. Peter K. Rogan Lab, Western University
No classification provided (evidence only). Condition: Thymoma. Review status: no classification provided. Collection method: in vitro. Allele origin: not applicable. Functional consequence: retained intron. Not counted in ClinVar's aggregate classification.

Dr. Peter K. Rogan Lab, Western University
No classification provided (evidence only). Condition: Thymoma. Review status: no classification provided. Collection method: in vitro. Allele origin: not applicable. Functional consequence: retained intron. Not counted in ClinVar's aggregate classification.

Dr. Peter K. Rogan Lab, Western University
No classification provided (evidence only). Condition: Cholangiocarcinoma. Review status: no classification provided. Collection method: in vitro. Allele origin: not applicable. Functional consequence: retained intron. Not counted in ClinVar's aggregate classification.

Dr. Peter K. Rogan Lab, Western University
No classification provided (evidence only). Condition: Gastric cancer. Review status: no classification provided. Collection method: in vitro. Allele origin: not applicable. Functional consequence: retained intron. Not counted in ClinVar's aggregate classification.

Dr. Peter K. Rogan Lab, Western University
No classification provided (evidence only). Condition: Gastric cancer. Review status: no classification provided. Collection method: in vitro. Allele origin: not applicable. Functional consequence: retained intron. Not counted in ClinVar's aggregate classification.

Dr. Peter K. Rogan Lab, Western University
No classification provided (evidence only). Condition: Malignant tumor of esophagus. Review status: no classification provided. Collection method: in vitro. Allele origin: not applicable. Functional consequence: retained intron. Not counted in ClinVar's aggregate classification.

Joint Genome Diagnostic Labs from Nijmegen and Maastricht, Radboudumc and MUMC+
Classification: Benign. Review status: no assertion criteria provided. Collection method: clinical testing. Allele origin: germline. Affected: yes. Study: VKGL Data-share Consensus. Not counted in ClinVar's aggregate classification.

NM_013382.7(POMT2):c.1117-20C>T

Gene: POMT2 (protein O-mannosyltransferase 2; minus strand). Cytogenetic location: 14q24.3.
Variant type: single nucleotide variant.
Coding change: c.1117-20C>T on transcript NM_013382.7 (MANE Select); 20 bases into the intron before coding-DNA position 1117, C replaced by T.
Molecular consequence: intron variant.
Genome position (GRCh38, 1-based): chr14:77,291,400, G>A on the plus strand (C>T on the coding strand, the complement: POMT2 is on the minus strand). VCF-style: chr14-77291400-G-A. GRCh37 (hg19) VCF-style: chr14-77757743-G-A.
Identifiers: ClinVar variation 95533 (VCV000095533.21), dbSNP rs7153929, ClinGen allele CA148605.